The following is an entry in ClinVar:

NM_007294.4(BRCA1):c.8T>A (p.Leu3Ter)

Gene: BRCA1 (BRCA1 DNA repair associated; minus strand). Cytogenetic location: 17q21.31.
Variant type: single nucleotide variant.
Coding change: c.8T>A on transcript NM_007294.4 (MANE Select); coding-DNA position 8, T replaced by A.
Protein change: p.Leu3Ter; replaces leucine 3 with a stop codon.
Molecular consequence: nonsense. On other transcripts: 5 prime UTR variant (1), non-coding transcript variant (1).
Genome position (GRCh38, 1-based): chr17:43,124,089, A>T on the plus strand (T>A on the coding strand, the complement: BRCA1 is on the minus strand). VCF-style: chr17-43124089-A-T. GRCh37 (hg19) VCF-style: chr17-41276106-A-T.
Other names: c.8T>A, p.Leu3Ter (NM_001407616.1, NM_001407617.1, NM_001407618.1 and 193 more transcripts); c.-250T>A (NM_001407694.1, NM_001407724.1, NM_001407727.1 and 11 more transcripts); c.-254T>A (NM_001407695.1, NM_001408465.1); c.-395T>A (NM_001407696.1); c.-279T>A (NM_001407697.1, NM_001407846.1, NM_001407920.1); c.-80T>A (NM_001407698.1, NM_001407732.1, NM_001407736.1 and 23 more transcripts); c.-253T>A (NM_001407725.1, NM_001407730.1, NM_001407734.1 and 22 more transcripts); c.-199T>A (NM_001407726.1, NM_001407751.1); and 8 more; short protein forms L3*.
Identifiers: ClinVar variation 869065 (VCV000869065.3), dbSNP rs397509332, ClinGen allele CA10602142.
Genomic context (GRCh38, chr17:43,124,089, plus strand): 5'-TCTAAGATTTTCTGCATAGCATTAATGACATTTTGTACTTCTTCAACGCGAAGAGCAGAT[A>T]AATCCATTTCTTTCTGTTCCAATGAACTTTAACACATTAGAAAAACATATATATATATCT-3'

Conditions:
Breast-ovarian cancer, familial, susceptibility to, 1 (BROVCA1). Also called: BRCA1 Hereditary Breast and Ovarian Cancer; OVARIAN CANCER, SUSCEPTIBILITY TO. Identifiers: Orphanet 145, MedGen C2676676, MONDO:0011450, OMIM 604370. Disease mechanism: loss of function.

Submission:

Brotman Baty Institute, University of Washington
No classification provided (evidence only). Condition: Breast-ovarian cancer, familial 1. Review status: no classification provided. Collection method: in vitro. Allele origin: not applicable. Functional consequence: functionally_abnormal.
ClinVar note: "not provided" was previously submitted as the classification for the variant. However, the classification appeared to be based only on an observation of functional data so it was converted to no classification on 2025-07-30.